The following is an entry in ClinVar:

NC_000009.11:g.71705804_71974823invdup

Gene: TJP2 (tight junction protein 2; plus strand). Cytogenetic location: 9q21.11.
Variant type: Duplication.
Identifiers: ClinVar variation 236063 (VCV000236063.1).

ClinVar aggregate classification (germline): Pathogenic (0 of 4 stars; one submission).

Conditions:
Autosomal dominant nonsyndromic hearing loss 51. Also called: Deafness, autosomal dominant 51; CHROMOSOME 9q21.11 DUPLICATION SYNDROME. Identifiers: Orphanet 90635, MedGen C3160736, MONDO:0013305, OMIM 613558.

Submission:

Laboratory of Prof. Karen Avraham, Tel Aviv University
Classification: Pathogenic for Autosomal dominant nonsyndromic hearing loss 51. Last evaluated: 2016-02-19. Review status: no assertion criteria provided. Collection method: research. Allele origin: germline. Affected: yes.
Comment: late-onset progressive HL

NSHL; dominant, DFNA51